The following is an entry in ClinVar:

NM_000245.4(MET):c.2249C>T (p.Thr750Ile)

Gene: MET (MET proto-oncogene, receptor tyrosine kinase; plus strand). Cytogenetic location: 7q31.2.
Variant type: single nucleotide variant.
Coding change: c.2249C>T on transcript NM_000245.4 (MANE Select); coding-DNA position 2249, C replaced by T.
Protein change: p.Thr750Ile; replaces threonine 750 with isoleucine.
Molecular consequence: missense variant.
Genome position (GRCh38, 1-based): chr7:116,758,605, C>T. VCF-style: chr7-116758605-C-T. GRCh37 (hg19) VCF-style: chr7-116398659-C-T.
Other names: c.2249C>T, p.Thr750Ile (NM_001127500.3, NM_001324401.3); c.959C>T, p.Thr320Ile (NM_001324402.2); short protein forms T320I, T750I.
Identifiers: ClinVar variation 4053917 (VCV004053917.2).

ClinVar aggregate classification (germline): Uncertain significance. Review status: criteria provided, multiple submitters, no conflicts (2 of 4 stars). 2 submissions from 2 submitters: Uncertain significance (2). Last evaluated 2025-11-09.

Conditions:
Hereditary cancer-predisposing syndrome. Also called: Neoplastic Syndromes, Hereditary; Tumor predisposition; Hereditary neoplastic syndrome; Hereditary Cancer Syndrome. Identifiers: Orphanet 140162, MedGen C0027672, MeSH D009386, MONDO:0015356.
Renal cell carcinoma. Identifiers: Orphanet 217071, MedGen C0007134, MeSH D002292, MONDO:0005086, HP:0005584.

Submissions (2):

Labcorp Genetics (formerly Invitae), Labcorp
Classification: Uncertain significance for Renal cell carcinoma. Last evaluated: 2025-11-09. Review status: criteria provided, single submitter. Criteria: Invitae Variant Classification Sherloc (09022015). Collection method: clinical testing. Allele origin: germline.
Comment: This sequence change replaces threonine, which is neutral and polar, with isoleucine, which is neutral and non-polar, at codon 750 of the MET protein (p.Thr750Ile). This variant is not present in population databases (gnomAD no frequency). This variant has not been reported in the literature in individuals affected with MET-related conditions. ClinVar contains an entry for this variant (Variation ID: 4053917). Invitae Evidence Modeling of protein sequence and biophysical properties (such as structural, functional, and spatial information, amino acid conservation, physicochemical variation, residue mobility, and thermodynamic stability) indicates that this missense variant is not expected to disrupt MET protein function with a negative predictive value of 80%. In summary, the available evidence is currently insufficient to determine the role of this variant in disease. Therefore, it has been classified as a Variant of Uncertain Significance.

Ambry Genetics
Classification: Uncertain significance for Hereditary cancer-predisposing syndrome. Last evaluated: 2025-06-06. Review status: criteria provided, single submitter. Criteria: Ambry Variant Classification Scheme 2023. Collection method: clinical testing. Allele origin: germline.
Comment: The p.T750I variant (also known as c.2249C>T), located in coding exon 8 of the MET gene, results from a C to T substitution at nucleotide position 2249. The threonine at codon 750 is replaced by isoleucine, an amino acid with similar properties. This amino acid position is conserved. In addition, this alteration is predicted to be tolerated by in silico analysis. Based on the available evidence, the clinical significance of this variant remains unclear.